The following is an entry in ClinVar:

ClinVar aggregate classification (germline): Benign/Likely benign. Review status: criteria provided, multiple submitters, no conflicts (2 of 4 stars). 4 submissions from 4 submitters: Benign (3); Likely benign (1). Last evaluated 2026-02-01.

Conditions:
TCF3-related disorder. Also called: TCF3-related condition.

Allele frequency attached by ClinVar (database versions not stated): gnomAD 0.00099; TOPMed 0.00243; 1000 Genomes Project 30x 0.00921; 1000 Genomes Project 0.00978.
gnomAD v4.1: 1,536 of 1,569,516 alleles (0.098%); highest among the groups gnomAD compares: East Asian, 2.4%; 17 homozygotes.

Submissions (4):

Labcorp Genetics (formerly Invitae), Labcorp
Classification: Benign. Last evaluated: 2026-02-01. Review status: criteria provided, single submitter. Criteria: Invitae Variant Classification Sherloc (09022015). Collection method: clinical testing. Allele origin: germline.

PreventionGenetics, part of Exact Sciences
Classification: Likely benign for TCF3-related condition. Last evaluated: 2024-12-06. Review status: criteria provided, single submitter. Criteria: ACMG Guidelines, 2015. Collection method: clinical testing. Allele origin: germline.
Comment: This variant is classified as likely benign based on ACMG/AMP sequence variant interpretation guidelines (Richards et al. 2015 PMID: 25741868, with internal and published modifications).

ARUP Laboratories, Molecular Genetics and Genomics, ARUP Laboratories
Classification: Benign. Last evaluated: 2024-10-23. Review status: criteria provided, single submitter. Criteria: ARUP Molecular Germline Variant Investigation Process 2024. Collection method: clinical testing. Allele origin: germline.

Breakthrough Genomics
Classification: Benign. Review status: criteria provided, single submitter. Criteria: ACMG Guidelines, 2015. Collection method: not provided. Allele origin: germline. Inheritance: Autosomal recessive inheritance. Affected: yes.

NM_003200.5(TCF3):c.1326+7G>T

Gene: TCF3 (transcription factor 3; minus strand). Cytogenetic location: 19p13.3.
Variant type: single nucleotide variant.
Coding change: c.1326+7G>T on transcript NM_003200.5 (MANE Select); 7 bases into the intron after coding-DNA position 1326, G replaced by T.
Molecular consequence: intron variant.
Genome position (GRCh38, 1-based): chr19:1,619,309, C>A on the plus strand (G>T on the coding strand, the complement: TCF3 is on the minus strand). VCF-style: chr19-1619309-C-A. GRCh37 (hg19) VCF-style: chr19-1619308-C-A.
Other names: c.1323+7G>T (NM_001351778.2); c.1326+7G>T (NM_001136139.4, NM_001351779.2).
Identifiers: ClinVar variation 719209 (VCV000719209.13), dbSNP rs146143026, ClinGen allele CA9049926.
Genomic context (GRCh38, chr19:1,619,309, plus strand): 5'-AGACGGGTGCATCAGGGGGAGCCGGGTCCCCGCCCACTGCCCAGCTCCACCCTCGCCCAG[C>A]GCTCACCAGGCCTGCGTGCCGCCCGCCCAGTGACATGGGGCCGGTGAAACCTGAGGCCAG-3'